The following is an entry in ClinVar:

ClinVar aggregate classification (germline): Uncertain significance (1 of 4 stars; one submission).

gnomAD v4.1: 3 of 1,614,108 alleles (0.00019%); highest among the groups gnomAD compares: Middle Eastern, 0.016%; no homozygotes.

Submission:

Labcorp Genetics (formerly Invitae), Labcorp
Classification: Uncertain significance. Last evaluated: 2024-04-26. Review status: criteria provided, single submitter. Criteria: Invitae Variant Classification Sherloc (09022015). Collection method: clinical testing. Allele origin: germline.
Comment: This sequence change replaces aspartic acid, which is acidic and polar, with asparagine, which is neutral and polar, at codon 371 of the LRRC8A protein (p.Asp371Asn). This variant is not present in population databases (gnomAD no frequency). This variant has not been reported in the literature in individuals affected with LRRC8A-related conditions. An algorithm developed to predict the effect of missense changes on protein structure and function (PolyPhen-2) suggests that this variant is likely to be disruptive. In summary, the available evidence is currently insufficient to determine the role of this variant in disease. Therefore, it has been classified as a Variant of Uncertain Significance.

NM_019594.4(LRRC8A):c.1111G>A (p.Asp371Asn)

Gene: LRRC8A (leucine rich repeat containing 8 VRAC subunit A; plus strand). Cytogenetic location: 9q34.11.
Variant type: single nucleotide variant.
Coding change: c.1111G>A on transcript NM_019594.4 (MANE Select); coding-DNA position 1111, G replaced by A.
Protein change: p.Asp371Asn; replaces aspartic acid 371 with asparagine.
Molecular consequence: missense variant.
Genome position (GRCh38, 1-based): chr9:128,908,275, G>A. VCF-style: chr9-128908275-G-A. GRCh37 (hg19) VCF-style: chr9-131670554-G-A.
Other names: c.1111G>A, p.Asp371Asn (NM_001127244.2, NM_001127245.2); short protein forms D371N.
Identifiers: ClinVar variation 3677403 (VCV003677403.2).